The following is an entry in ClinVar:

NM_024675.4(PALB2):c.1135_1136del (p.Lys379fs)

Gene: PALB2 (partner and localizer of BRCA2; minus strand). Cytogenetic location: 16p12.2.
Variant type: Deletion.
Coding change: c.1135_1136del on transcript NM_024675.4 (MANE Select); coding-DNA positions 1135 to 1136, 2 bases deleted (AA; older notation c.1135_1136delAA).
Protein change: p.Lys379fs; shifts the reading frame from lysine 379.
Molecular consequence: frameshift variant. On other transcripts: intron variant (3).
Genome position (GRCh38, 1-based): chr16:23,635,410-23,635,411, TT deleted on the plus strand (AA on the coding strand, the reverse complement: PALB2 is on the minus strand). VCF-style (leftmost placement, unchanged base first): chr16-23635409-CTT-C. GRCh37 (hg19) VCF-style: chr16-23646730-CTT-C.
Other names: c.1075_1076del, p.Lys359fs (NM_001407296.1); c.1135_1136del, p.Lys379fs (NM_001407297.1, NM_001407298.1, NM_001407299.1 and 3 more transcripts); c.250_251del, p.Lys84fs (NM_001407304.1, NM_001407305.1, NM_001407306.1 and 5 more transcripts); c.48+5699_48+5700del (NM_001407314.1); c.-104-4942_-104-4941del (NM_001407313.1, NM_001407312.1); short protein forms K359fs, K379fs, K84fs.
Identifiers: ClinVar variation 5042667 (VCV005042667.1).
Genomic context (GRCh38, chr16:23,635,409, plus strand): 5'-AGGCACTGTGCAAGAATGTTTTTCTGCAGAAAGAGGAGAGGTTGCTTCCAGGCTAAGACT[CTT>C]AGGTTGACTTAGAATCTCACTTTCCTGAAGATTTTCATTCCTGCCATCAAGAGTGTCACT-3'

ClinVar aggregate classification (germline): Pathogenic (1 of 4 stars; one submission).

Conditions:
Breast-ovarian cancer, familial, susceptibility to, 5 (BROVCA5). Identifiers: MedGen C5830615, MONDO:0957530, OMIM 620442.

Submission:

Dasa
Classification: Pathogenic for Breast-ovarian cancer, familial, susceptibility to, 5. Last evaluated: 2024-11-21. Review status: criteria provided, single submitter. Criteria: DASA Assertion Criteria. Collection method: clinical testing. Allele origin: germline.
Comment: NM_024675.4(PALB2):c.1135_1136del (p.Lys379Glufs*3) is a frameshift variant in PALB2 predicted to alter the reading frame and introduce a premature termination codon and is predicted to result in an absent or altered protein product. Loss of function is an established disease mechanism for PALB2-associated disorders. The affected residue or protein region has prior evidence supporting clinical relevance. Also, this variant is absent from population databases. Based on the currently available evidence, this variant is classified as pathogenic.